The following is an entry in ClinVar:

ClinVar aggregate classification (germline): Uncertain significance (1 of 4 stars; one submission).

Conditions:
Joubert syndrome. Also called: CEREBELLOPARENCHYMAL DISORDER IV; JOUBERT-BOLTSHAUSER SYNDROME; Familial aplasia of the vermis. Identifiers: Orphanet 475, MedGen C5979921, MONDO:0018772.
Nephronophthisis. Also called: Juvenile Nephronophthisis. Identifiers: Orphanet 655, MedGen C0687120, MONDO:0019005, HP:0000090.
Meckel-Gruber syndrome. Also called: DYSENCEPHALIA SPLANCHNOCYSTICA; GRUBER SYNDROME; Dysencephalia splachnocystica. Identifiers: Orphanet 564, MedGen C0265215, MONDO:0018921.

Submission:

Labcorp Genetics (formerly Invitae), Labcorp
Classification: Uncertain significance for Joubert syndrome; Meckel-Gruber syndrome; Nephronophthisis. Last evaluated: 2024-05-31. Review status: criteria provided, single submitter. Criteria: Invitae Variant Classification Sherloc (09022015). Collection method: clinical testing. Allele origin: germline.
Comment: This sequence change replaces arginine, which is basic and polar, with lysine, which is basic and polar, at codon 977 of the CEP290 protein (p.Arg977Lys). This variant is present in population databases (no rsID available, gnomAD 0.0009%). This variant has not been reported in the literature in individuals affected with CEP290-related conditions. Advanced modeling of protein sequence and biophysical properties (such as structural, functional, and spatial information, amino acid conservation, physicochemical variation, residue mobility, and thermodynamic stability) performed at Invitae indicates that this missense variant is expected to disrupt CEP290 protein function with a positive predictive value of 80%. In summary, the available evidence is currently insufficient to determine the role of this variant in disease. Therefore, it has been classified as a Variant of Uncertain Significance.

NM_025114.4(CEP290):c.2930G>A (p.Arg977Lys)

Gene: CEP290 (centrosomal protein 290; minus strand). Cytogenetic location: 12q21.32.
Variant type: single nucleotide variant.
Coding change: c.2930G>A on transcript NM_025114.4 (MANE Select); coding-DNA position 2930, G replaced by A.
Protein change: p.Arg977Lys; replaces arginine 977 with lysine.
Molecular consequence: missense variant.
Genome position (GRCh38, 1-based): chr12:88,102,899, C>T on the plus strand (G>A on the coding strand, the complement: CEP290 is on the minus strand). VCF-style: chr12-88102899-C-T. GRCh37 (hg19) VCF-style: chr12-88496676-C-T.
Other names: short protein forms R977K.
Identifiers: ClinVar variation 3756619 (VCV003756619.2).